The following is an entry in ClinVar:

NM_000059.4(BRCA2):c.5392A>G (p.Asn1798Asp)

Gene: BRCA2 (BRCA2 DNA repair associated; plus strand). Cytogenetic location: 13q13.1.
Variant type: single nucleotide variant.
Coding change: c.5392A>G on transcript NM_000059.4 (MANE Select); coding-DNA position 5392, A replaced by G.
Protein change: p.Asn1798Asp; replaces asparagine 1798 with aspartic acid.
Molecular consequence: missense variant.
Genome position (GRCh38, 1-based): chr13:32,339,747, A>G. VCF-style: chr13-32339747-A-G. GRCh37 (hg19) VCF-style: chr13-32913884-A-G.
Other names: short protein forms N1798D.
Identifiers: ClinVar variation 531424 (VCV000531424.15), dbSNP rs1555284208, ClinGen allele CA387785272.

ClinVar aggregate classification (germline): Conflicting classifications of pathogenicity. Review status: criteria provided, conflicting classifications (1 of 4 stars). 4 submissions from 4 submitters: Uncertain significance (2); Likely benign (2). Last evaluated 2025-11-03.

Conditions:
Hereditary cancer-predisposing syndrome. Also called: Hereditary neoplastic syndrome; Neoplastic Syndromes, Hereditary; Tumor predisposition; Hereditary Cancer Syndrome. Identifiers: Orphanet 140162, MedGen C0027672, MeSH D009386, MONDO:0015356.
Hereditary breast ovarian cancer syndrome. Also called: Hereditary breast and ovarian cancer syndrome (HBOC); BRCA1- and BRCA2-Associated Hereditary Breast and Ovarian Cancer; Hereditary breast and ovarian cancer syndrome; Breast and ovarian cancer; Hereditary breast and ovarian cancer; Hereditary breast and/or ovarian cancer syndrome. Identifiers: Orphanet 145, MedGen C0677776, MeSH D061325, MONDO:0003582. Disease mechanism: loss of function.

Submissions (4):

Labcorp Genetics (formerly Invitae), Labcorp
Classification: Uncertain significance for Hereditary breast ovarian cancer syndrome. Last evaluated: 2025-11-03. Review status: criteria provided, single submitter. Criteria: Invitae Variant Classification Sherloc (09022015). Collection method: clinical testing. Allele origin: germline.
Comment: This sequence change replaces asparagine, which is neutral and polar, with aspartic acid, which is acidic and polar, at codon 1798 of the BRCA2 protein (p.Asn1798Asp). This variant is not present in population databases (gnomAD no frequency). This variant has not been reported in the literature in individuals affected with BRCA2-related conditions. ClinVar contains an entry for this variant (Variation ID: 531424). Invitae Evidence Modeling of protein sequence and biophysical properties (such as structural, functional, and spatial information, amino acid conservation, physicochemical variation, residue mobility, and thermodynamic stability) indicates that this missense variant is not expected to disrupt BRCA2 protein function with a negative predictive value of 95%. In summary, the available evidence is currently insufficient to determine the role of this variant in disease. Therefore, it has been classified as a Variant of Uncertain Significance.

Color Diagnostics, LLC DBA Color Health
Classification: Uncertain significance for Hereditary cancer-predisposing syndrome. Last evaluated: 2025-06-17. Review status: criteria provided, single submitter. Criteria: ACMG Guidelines, 2015. Collection method: clinical testing. Allele origin: germline.
Comment: This missense variant replaces asparagine with aspartic acid at codon 1798 of the BRCA2 protein. Computational prediction suggests that this variant may not impact protein structure and function. To our knowledge, functional studies have not been reported for this variant. This variant has not been reported in individuals affected with BRCA2-related disorders in the literature. This variant has not been identified in the general population by the Genome Aggregation Database (gnomAD). The available evidence is insufficient to determine the role of this variant in disease conclusively. Therefore, this variant is classified as a Variant of Uncertain Significance.

Ambry Genetics
Classification: Likely benign for Hereditary cancer-predisposing syndrome. Last evaluated: 2025-01-31. Review status: criteria provided, single submitter. Criteria: Ambry Variant Classification Scheme 2023. Collection method: clinical testing. Allele origin: germline.

University of Washington Department of Laboratory Medicine, University of Washington
Classification: Likely benign for Hereditary cancer-predisposing syndrome. Last evaluated: 2023-03-23. Review status: criteria provided, single submitter. Criteria: Dines et al. (Genet Med. 2020). Collection method: curation. Allele origin: germline.
Comment: Missense variant in a coldspot region where missense variants are very unlikely to be pathogenic (PMID:31911673).

BRCA2 exon 11 coldspot. Reclassification based on statistical prior probability.